The following is an entry in ClinVar:

NM_024079.5(ALG8):c.219G>A (p.Trp73Ter)

Gene: ALG8 (ALG8 alpha-1,3-glucosyltransferase; minus strand). Cytogenetic location: 11q14.1.
Variant type: single nucleotide variant.
Coding change: c.219G>A on transcript NM_024079.5 (MANE Select); coding-DNA position 219, G replaced by A.
Protein change: p.Trp73Ter; replaces tryptophan 73 with a stop codon.
Molecular consequence: nonsense. On other transcripts: 5 prime UTR variant (4), non-coding transcript variant (2), intron variant (1).
Genome position (GRCh38, 1-based): chr11:78,124,170, C>T on the plus strand (G>A on the coding strand, the complement: ALG8 is on the minus strand). VCF-style: chr11-78124170-C-T. GRCh37 (hg19) VCF-style: chr11-77835216-C-T.
Other names: c.219G>A, p.Trp73Ter (NM_001007027.3, NM_001425220.1, NM_001425221.1 and 14 more transcripts); c.222G>A, p.Trp74Ter (NM_001425219.1); c.66G>A, p.Trp22Ter (NM_001425226.1, NM_001425235.1, NM_001425236.1); c.-46G>A (NM_001425234.1, NM_001425239.1); c.-294G>A (NM_001425241.1); c.-332G>A (NM_001425242.1); c.96-78G>A (NM_001425231.1); short protein forms W22*, W74*, W73*.
Identifiers: ClinVar variation 3574073 (VCV003574073.2).

ClinVar aggregate classification (germline): Likely pathogenic. Review status: criteria provided, multiple submitters, no conflicts (2 of 4 stars). 3 submissions from 3 submitters: Likely pathogenic (3). Last evaluated 2026-04-29.

Conditions:
ALG8 congenital disorder of glycosylation. Also called: CONGENITAL DISORDER OF GLYCOSYLATION, TYPE Ih; CDG Ih; ALG8-CDG. Identifiers: Orphanet 79325, MedGen C2931002, MONDO:0011969, OMIM 608104.
Polycystic liver disease 3 with or without kidney cysts. Identifiers: MedGen C4693472, MONDO:0054743, OMIM 617874.
ALG8-related disorder.

gnomAD v4.1: 4 of 1,614,102 alleles (0.00025%); highest among the groups gnomAD compares: Non-Finnish European, 0.00034%; no homozygotes.

Submissions (3):

Service of Pediatric Gastrohepatology and Metabolic Diseases, University of Medicine of Tirana
Classification: Likely pathogenic for Polycystic liver disease 3 with or without kidney cysts. Last evaluated: 2026-04-29. Review status: criteria provided, single submitter. Criteria: ACMG Guidelines, 2015. Collection method: clinical testing. Allele origin: germline. Inheritance: Autosomal dominant inheritance. Affected: yes. Observed: 1 variant allele.
Comment: ALG8 c.219G>A was classified as Likely pathogenic using ACMG/AMP 2015 criteria (PMID:25741868). Evidence considered includes PM2 for rarity/absence in population databases when reviewed, PP3 for predicted deleterious effect, and PP4 for phenotype/biochemical consistency with ALG8-congenital disorder of glycosylation (OMIM:617874).

Blueprint Genetics
Classification: Likely pathogenic for ALG8-related disorders. Last evaluated: 2024-05-09. Review status: criteria provided, single submitter. Criteria: ACMG Guidelines, 2015. Collection method: clinical testing. Allele origin: germline. Affected: yes. Observed: 5 variant alleles.

Fulgent Genetics
Classification: Likely pathogenic for ALG8 congenital disorder of glycosylation; Polycystic liver disease 3 with or without kidney cysts. Last evaluated: 2024-04-08. Review status: criteria provided, single submitter. Criteria: ACMG Guidelines, 2015. Collection method: clinical testing. Allele origin: germline.